The following is an entry in ClinVar:

ClinVar aggregate classification (germline): Uncertain significance (1 of 4 stars; one submission).

gnomAD v4.1: 1 of 1,609,072 alleles (0.000062%); no homozygotes.

Submission:

Ambry Genetics
Classification: Uncertain significance. Last evaluated: 2025-03-23. Review status: criteria provided, single submitter. Criteria: Ambry Variant Classification Scheme 2023. Collection method: clinical testing. Allele origin: germline.
Comment: The p.G570E variant (also known as c.1709G>A), located in coding exon 10 of the PKP4 gene, results from a G to A substitution at nucleotide position 1709. The glycine at codon 570 is replaced by glutamic acid, an amino acid with similar properties. This amino acid position is conserved. In addition, this alteration is predicted to be deleterious by in silico analysis. Based on the available evidence, the clinical significance of this variant remains unclear.

NM_003628.6(PKP4):c.1709G>A (p.Gly570Glu)

Gene: PKP4 (plakophilin 4; plus strand). Cytogenetic location: 2q24.1.
Variant type: single nucleotide variant.
Coding change: c.1709G>A on transcript NM_003628.6 (MANE Select); coding-DNA position 1709, G replaced by A.
Protein change: p.Gly570Glu; replaces glycine 570 with glutamic acid.
Molecular consequence: missense variant.
Genome position (GRCh38, 1-based): chr2:158,642,499, G>A. VCF-style: chr2-158642499-G-A. GRCh37 (hg19) VCF-style: chr2-159499011-G-A.
Other names: c.1709G>A, p.Gly570Glu (NM_001005476.4, NM_001304971.2, NM_001377218.1 and 1 more transcripts); c.1706G>A, p.Gly569Glu (NM_001304969.3, NM_001377219.1, NM_001377220.1 and 2 more transcripts); c.680G>A, p.Gly227Glu (NM_001304970.3); c.1703G>A, p.Gly568Glu (NM_001377222.1, NM_001377223.1); c.1700G>A, p.Gly567Glu (NM_001377224.1); short protein forms G567E, G569E, G570E, G227E, G568E.
Identifiers: ClinVar variation 3933354 (VCV003933354.1).